The following is an entry in ClinVar:

NM_006922.4(SCN3A):c.3043A>G (p.Ile1015Val)

Gene: SCN3A (sodium voltage-gated channel alpha subunit 3; minus strand). Cytogenetic location: 2q24.3.
Variant type: single nucleotide variant.
Coding change: c.3043A>G on transcript NM_006922.4 (MANE Select); coding-DNA position 3043, A replaced by G.
Protein change: p.Ile1015Val; replaces isoleucine 1015 with valine.
Molecular consequence: missense variant.
Genome position (GRCh38, 1-based): chr2:165,127,981, T>C on the plus strand (A>G on the coding strand, the complement: SCN3A is on the minus strand). VCF-style: chr2-165127981-T-C. GRCh37 (hg19) VCF-style: chr2-165984491-T-C.
Other names: c.2896A>G, p.Ile966Val (NM_001081676.2, NM_001081677.2); c.3043A>G (NM_006922.3); short protein forms I1015V, I966V.
Identifiers: ClinVar variation 1721044 (VCV001721044.6), dbSNP rs1437790128, ClinGen allele CA349041260.

ClinVar aggregate classification (germline): Uncertain significance. Review status: criteria provided, multiple submitters, no conflicts (2 of 4 stars). 2 submissions from 2 submitters: Uncertain significance (2). Last evaluated 2024-05-31.

Allele frequency attached by ClinVar (database versions not stated): TOPMed below 0.00001.

Submissions (2):

GeneDx
Classification: Uncertain significance. Last evaluated: 2024-05-31. Review status: criteria provided, single submitter. Criteria: GeneDx Variant Classification Process June 2021. Collection method: clinical testing. Allele origin: germline. Affected: yes.
Comment: Has not been previously published as pathogenic or benign to our knowledge; Not observed in large population cohorts (gnomAD); In silico analysis supports that this missense variant does not alter protein structure/function

Labcorp Genetics (formerly Invitae), Labcorp
Classification: Uncertain significance. Last evaluated: 2022-07-20. Review status: criteria provided, single submitter. Criteria: Invitae Variant Classification Sherloc (09022015). Collection method: clinical testing. Allele origin: germline.
Comment: This sequence change replaces isoleucine, which is neutral and non-polar, with valine, which is neutral and non-polar, at codon 1015 of the SCN3A protein (p.Ile1015Val). This variant is not present in population databases (gnomAD no frequency). This variant has not been reported in the literature in individuals affected with SCN3A-related conditions. Algorithms developed to predict the effect of missense changes on protein structure and function (SIFT, PolyPhen-2, Align-GVGD) all suggest that this variant is likely to be tolerated. In summary, the available evidence is currently insufficient to determine the role of this variant in disease. Therefore, it has been classified as a Variant of Uncertain Significance.